The following is an entry in ClinVar:

ClinVar aggregate classification (germline): Likely pathogenic (1 of 4 stars; one submission).

Conditions:
Klippel-Feil anomaly-myopathy-facial dysmorphism syndrome. Also called: Klippel-feil syndrome 4, autosomal recessive, with nemaline myopathy and facial dysmorphism; Klippel-Feil syndrome 4, autosomal recessive, with myopathy and facial dysmorphism. Identifiers: Orphanet 447974, MedGen C4225285, MONDO:0014689, OMIM 616549.

Submission:

Laboratorio de Genetica e Diagnostico Molecular, Hospital Israelita Albert Einstein
Classification: Likely pathogenic for Klippel-Feil anomaly-myopathy-facial dysmorphism syndrome. Last evaluated: 2025-06-17. Review status: criteria provided, single submitter. Criteria: ACMG Guidelines, 2015. Collection method: clinical testing. Allele origin: germline. Affected: yes.
Comment: ACMG classification criteria: PVS1 very strong, PM2 supporting

NM_032608.7(MYO18B):c.510_511del (p.His171fs)

Gene: MYO18B (myosin XVIIIB; plus strand). Cytogenetic location: 22q12.1.
Variant type: Deletion.
Coding change: c.510_511del on transcript NM_032608.7 (MANE Select); coding-DNA positions 510 to 511, 2 bases deleted (TC; older notation c.510_511delTC).
Protein change: p.His171fs; shifts the reading frame from histidine 171.
Molecular consequence: frameshift variant.
Genome position (GRCh38, 1-based): chr22:25,768,426-25,768,427, TC deleted; deleting any 2 consecutive bases within chr22:25,768,425-25,768,427 gives the same sequence; the c. name uses the placement nearest the transcript's 3' end. VCF-style (leftmost placement, unchanged base first): chr22-25768424-ACT-A. GRCh37 (hg19) VCF-style: chr22-26164391-ACT-A.
Other names: c.510_511del, p.His171fs (NM_001318245.2); short protein forms H171fs.
Identifiers: ClinVar variation 4846858 (VCV004846858.1).